The following is an entry in ClinVar:

ClinVar aggregate classification (germline): Uncertain significance (1 of 4 stars; one submission).

Submission:

Labcorp Genetics (formerly Invitae), Labcorp
Classification: Uncertain significance. Last evaluated: 2024-10-30. Review status: criteria provided, single submitter. Criteria: Invitae Variant Classification Sherloc (09022015). Collection method: clinical testing. Allele origin: germline.
Comment: This sequence change creates a premature translational stop signal (p.Thr1071Profs*4) in the SCN3A gene. It is expected to result in an absent or disrupted protein product. However, the current clinical and genetic evidence is not sufficient to establish whether loss-of-function variants in SCN3A cause disease. This variant is not present in population databases (gnomAD no frequency). This variant has not been reported in the literature in individuals affected with SCN3A-related conditions. ClinVar contains an entry for this variant (Variation ID: 2694912). In summary, the available evidence is currently insufficient to determine the role of this variant in disease. Therefore, it has been classified as a Variant of Uncertain Significance.

NM_006922.4(SCN3A):c.3211del (p.Thr1071fs)

Gene: SCN3A (sodium voltage-gated channel alpha subunit 3; minus strand). Cytogenetic location: 2q24.3.
Variant type: Deletion.
Coding change: c.3211del on transcript NM_006922.4 (MANE Select); coding-DNA position 3211, one base deleted (A; older notation c.3211delA).
Protein change: p.Thr1071fs; shifts the reading frame from threonine 1071.
Molecular consequence: frameshift variant.
Genome position (GRCh38, 1-based): chr2:165,127,813, T deleted on the plus strand (A on the coding strand, the reverse complement: SCN3A is on the minus strand). VCF-style (leftmost placement, unchanged base first): chr2-165127812-GT-G. GRCh37 (hg19) VCF-style: chr2-165984322-GT-G.
Other names: c.3064del, p.Thr1022fs (NM_001081677.2, NM_001081676.2); short protein forms T1071fs, T1022fs.
Identifiers: ClinVar variation 2694912 (VCV002694912.3), dbSNP rs2468234611, ClinGen allele CA2697551232.